The following is an entry in ClinVar:

ClinVar aggregate classification (germline): Uncertain significance (1 of 4 stars; one submission).

Conditions:
Holoprosencephaly 3 (HPE3). Identifiers: Orphanet 2162, MedGen C1840529, MONDO:0007733, OMIM 142945.

Submission:

Labcorp Genetics (formerly Invitae), Labcorp
Classification: Uncertain significance for Holoprosencephaly 3. Last evaluated: 2023-03-26. Review status: criteria provided, single submitter. Criteria: Invitae Variant Classification Sherloc (09022015). Collection method: clinical testing. Allele origin: germline.
Comment: This variant occurs in a non-coding region of the SHH gene. It does not change the encoded amino acid sequence of the SHH protein. In summary, the available evidence is currently insufficient to determine the role of this variant in disease. Therefore, it has been classified as a Variant of Uncertain Significance. Experimental studies and prediction algorithms are not available or were not evaluated, and the functional significance of this variant is currently unknown. This variant has not been reported in the literature in individuals affected with SHH-related conditions. This variant is present in population databases (no rsID available, gnomAD 0.01%).

NC_000007.14:g.156769094C>T

Genes: LMBR1 (limb development membrane protein 1; minus strand), SHH (sonic hedgehog signaling molecule; minus strand). Cytogenetic location: 7q36.3.
Variant type: single nucleotide variant.
Molecular consequence: intron variant (on NM_022458.4).
Genome position: GRCh38 VCF-style: chr7-156769094-C-T. GRCh37 (hg19) VCF-style: chr7-156561788-C-T.
Other names: c.361-5299G>A (NM_001363412.2); c.145-5299G>A (NM_001350954.2); c.424-5299G>A (NM_001363410.2, NM_022458.4, NM_001363409.2 and 1 more transcripts); c.-33-5299G>A (NM_001350958.2, NM_001350956.2, NM_001350955.2 and 1 more transcripts); c.55-5299G>A (NM_001350957.2, NM_001363411.2).
Identifiers: ClinVar variation 2872179 (VCV002872179.3), dbSNP rs933669713, ClinGen allele CA169820932.